The following is an entry in ClinVar:

NM_007194.4(CHEK2):c.1034A>G (p.His345Arg)

Gene: CHEK2 (checkpoint kinase 2; minus strand). Cytogenetic location: 22q12.1.
Variant type: single nucleotide variant.
Coding change: c.1034A>G on transcript NM_007194.4 (MANE Select); coding-DNA position 1034, A replaced by G.
Protein change: p.His345Arg; replaces histidine 345 with arginine.
Molecular consequence: missense variant. On other transcripts: intron variant (3).
Genome position (GRCh38, 1-based): chr22:28,696,962, T>C on the plus strand (A>G on the coding strand, the complement: CHEK2 is on the minus strand). VCF-style: chr22-28696962-T-C. GRCh37 (hg19) VCF-style: chr22-29092950-T-C.
Other names: c.1009-1089A>G (NM_145862.3); c.1102-1089A>G (NM_001438295.1); c.1138-1089A>G (NM_001438294.1); c.1163A>G, p.His388Arg (NM_001005735.3); c.371A>G, p.His124Arg (NM_001257387.3, NM_001437942.1); c.833A>G, p.His278Arg (NM_001349956.3); c.1127A>G, p.His376Arg (NM_001438293.1); short protein forms H278R, H124R, H345R, H388R, H376R.
Identifiers: ClinVar variation 856168 (VCV000856168.12), dbSNP rs1555914342, ClinGen allele CA411097752.

ClinVar aggregate classification (germline): Uncertain significance. Review status: criteria provided, multiple submitters, no conflicts (2 of 4 stars). 2 submissions from 2 submitters: Uncertain significance (2). Last evaluated 2023-01-27.

Conditions:
Hereditary cancer-predisposing syndrome. Also called: Tumor predisposition; Hereditary neoplastic syndrome; Neoplastic Syndromes, Hereditary; Hereditary Cancer Syndrome. Identifiers: Orphanet 140162, MedGen C0027672, MeSH D009386, MONDO:0015356.
Familial cancer of breast. Also called: hereditary breast carcinoma; BREAST CANCER, FAMILIAL; Hereditary breast cancer. Identifiers: Orphanet 227535, MedGen C0346153, MONDO:0016419, OMIM 114480. Disease mechanism: loss of function.

Allele frequency attached by ClinVar (database versions not stated): gnomAD exomes below 0.00001.
gnomAD v4.1: 1 of 1,612,960 alleles (0.000062%); highest among the groups gnomAD compares: Non-Finnish European, 0.000085%; no homozygotes.

Submissions (2):

Ambry Genetics
Classification: Uncertain significance for Hereditary cancer-predisposing syndrome. Last evaluated: 2023-01-27. Review status: criteria provided, single submitter. Criteria: Ambry Variant Classification Scheme 2023. Collection method: clinical testing. Allele origin: germline.
Comment: The p.H345R variant (also known as c.1034A>G), located in coding exon 9 of the CHEK2 gene, results from an A to G substitution at nucleotide position 1034. The histidine at codon 345 is replaced by arginine, an amino acid with highly similar properties. This amino acid position is conserved. In addition, this alteration is predicted to be deleterious by in silico analysis. Since supporting evidence is limited at this time, the clinical significance of this alteration remains unclear.

Labcorp Genetics (formerly Invitae), Labcorp
Classification: Uncertain significance for Familial cancer of breast. Last evaluated: 2019-01-25. Review status: criteria provided, single submitter. Criteria: Invitae Variant Classification Sherloc (09022015). Collection method: clinical testing. Allele origin: germline.
Comment: In summary, the available evidence is currently insufficient to determine the role of this variant in disease. Therefore, it has been classified as a Variant of Uncertain Significance. Algorithms developed to predict the effect of missense changes on protein structure and function are either unavailable or do not agree on the potential impact of this missense change (SIFT: "Deleterious"; PolyPhen-2: "Probably Damaging"; Align-GVGD: "Class C0"). This variant has not been reported in the literature in individuals with CHEK2-related conditions. This variant is not present in population databases (ExAC no frequency). This sequence change replaces histidine with arginine at codon 345 of the CHEK2 protein (p.His345Arg). The histidine residue is highly conserved and there is a small physicochemical difference between histidine and arginine.